The following is an entry in ClinVar:

NM_000528.4(MAN2B1):c.1858dup (p.Thr620fs)

Gene: MAN2B1 (mannosidase alpha class 2B member 1; minus strand). Cytogenetic location: 19p13.13.
Variant type: Duplication.
Coding change: c.1858dup on transcript NM_000528.4 (MANE Select); coding-DNA position 1858, one base duplicated (A; older notation c.1858dupA).
Protein change: p.Thr620fs; shifts the reading frame from threonine 620.
Molecular consequence: frameshift variant.
Genome position (GRCh38, 1-based): chr19:12,652,433, T duplicated on the plus strand (A on the coding strand, the reverse complement: MAN2B1 is on the minus strand). VCF-style (leftmost placement, unchanged base first): chr19-12652432-G-GT. GRCh37 (hg19) VCF-style: chr19-12763246-G-GT.
Other names: c.1855dup, p.Thr619fs (NM_001173498.2); short protein forms T620fs, T619fs.
Identifiers: ClinVar variation 2736807 (VCV002736807.4), dbSNP rs752987724, ClinGen allele CA9226287.

ClinVar aggregate classification (germline): Pathogenic. Review status: criteria provided, multiple submitters, no conflicts (2 of 4 stars). 2 submissions from 2 submitters: Pathogenic (2). Last evaluated 2024-02-27.

Conditions:
Deficiency of alpha-mannosidase (MANSA). Also called: Mannosidosis, alpha-, types I and II; LYSOSOMAL ALPHA-D-MANNOSIDASE DEFICIENCY; Alpha-Mannosidosis. Identifiers: Orphanet 61, MedGen C0024748, MONDO:0009561, OMIM 248500.

Allele frequency attached by ClinVar (database versions not stated): ExAC 0.00001; gnomAD 0.00001.

Submissions (2):

Baylor Genetics
Classification: Pathogenic for Deficiency of alpha-mannosidase. Last evaluated: 2024-02-27. Review status: criteria provided, single submitter. Criteria: ACMG Guidelines, 2015. Collection method: clinical testing. Allele origin: unknown.

Labcorp Genetics (formerly Invitae), Labcorp
Classification: Pathogenic for Deficiency of alpha-mannosidase. Last evaluated: 2024-01-04. Review status: criteria provided, single submitter. Criteria: Invitae Variant Classification Sherloc (09022015). Collection method: clinical testing. Allele origin: germline.
Comment: This sequence change creates a premature translational stop signal (p.Thr620Asnfs*31) in the MAN2B1 gene. It is expected to result in an absent or disrupted protein product. Loss-of-function variants in MAN2B1 are known to be pathogenic (PMID: 9915946, 22161967). This variant is present in population databases (rs752987724, gnomAD 0.0009%). This premature translational stop signal has been observed in individual(s) with alpha-mannosidosis (PMID: 22161967). For these reasons, this variant has been classified as Pathogenic.

Literature cited by the submitters: PubMed 9915946 (cited by Labcorp Genetics (formerly Invitae), Labcorp); PubMed 22161967 (cited by Labcorp Genetics (formerly Invitae), Labcorp).